The following is an entry in ClinVar:

NM_002474.3(MYH11):c.2520+17A>G

Gene: MYH11 (myosin heavy chain 11; minus strand). Cytogenetic location: 16p13.11.
Variant type: single nucleotide variant.
Coding change: c.2520+17A>G on transcript NM_002474.3 (MANE Select); 17 bases into the intron after coding-DNA position 2520, A replaced by G.
Molecular consequence: intron variant.
Genome position (GRCh38, 1-based): chr16:15,745,112, T>C on the plus strand (A>G on the coding strand, the complement: MYH11 is on the minus strand). VCF-style: chr16-15745112-T-C. GRCh37 (hg19) VCF-style: chr16-15838969-T-C.
Other names: c.2520+17A>G (NM_022844.3); c.2541+17A>G (NM_001040114.2, NM_001040113.2).
Identifiers: ClinVar variation 138331 (VCV000138331.23), dbSNP rs185697714, ClinGen allele CA292277.
Genomic context (GRCh38, chr16:15,745,112, plus strand): 5'-GTCCCAAATGTGAAGGCTCCAGAGTGAAGAAGCAGGGCTGGGGGCCCCTGGGAAGGGGGC[T>C]GGGGCAGAGCACTCACTTTGGTGAAAAGCCTCCACCACTGCCAGTTCCGCAGCTTGAGGT-3'

ClinVar aggregate classification (germline): Benign/Likely benign. Review status: criteria provided, multiple submitters, no conflicts (2 of 4 stars). 8 submissions from 8 submitters: Benign (5); Likely benign (2). 1 of the submissions does not count toward it. Last evaluated 2026-02-03.

Conditions:
Aortic aneurysm, familial thoracic 4 (AAT4). Also called: AORTIC ANEURYSM/AORTIC DISSECTION AND PATENT DUCTUS ARTERIOSUS. Identifiers: MedGen C1851504, MONDO:0007568, OMIM 132900.

Allele frequency attached by ClinVar (database versions not stated): 1000 Genomes Project 0.00140; 1000 Genomes Project 30x 0.00141; ESP Exome Variant Server 0.00192; TOPMed 0.00264; gnomAD 0.00368 and 0.00383; gnomAD exomes 0.00370 and 0.00405; ExAC 0.00374.
gnomAD v4.1: 6,387 of 1,605,218 alleles (0.4%); highest among the groups gnomAD compares: Non-Finnish European, 0.43%; 19 homozygotes.

Submissions (8):

Labcorp Genetics (formerly Invitae), Labcorp
Classification: Benign for Aortic aneurysm, familial thoracic 4. Last evaluated: 2026-02-03. Review status: criteria provided, single submitter. Criteria: Invitae Variant Classification Sherloc (09022015). Collection method: clinical testing. Allele origin: germline.

ARUP Laboratories, Molecular Genetics and Genomics, ARUP Laboratories
Classification: Benign. Last evaluated: 2024-12-12. Review status: criteria provided, single submitter. Criteria: ARUP Molecular Germline Variant Investigation Process 2024. Collection method: clinical testing. Allele origin: germline.

Blueprint Genetics
Classification: Likely benign. Last evaluated: 2024-11-26. Review status: criteria provided, single submitter. Criteria: ACMG Guidelines, 2015. Collection method: clinical testing. Allele origin: germline.

Women's Health and Genetics/Laboratory Corporation of America, LabCorp
Classification: Benign. Last evaluated: 2019-09-02. Review status: criteria provided, single submitter. Criteria: LabCorp Variant Classification Summary - May 2015. Collection method: clinical testing. Allele origin: germline.
Comment: Variant summary: MYH11 c.2541+17A>G alters a non-conserved nucleotide located close to a canonical splice site and therefore could affect mRNA splicing, leading to a significantly altered protein sequence. 5/5 computational tools predict no significant impact on canonical splice site but several tools predict that this variant abolishes a cryptic 3' acceptor site and creates a new one. However, these predictions have yet to be confirmed by functional studies. The variant allele was found at a frequency of 0.0037 in 251036 control chromosomes in the gnomAD database, including 1 homozygote. The observed variant frequency is approximately 2960 fold of the estimated maximal expected allele frequency for a pathogenic variant in MYH11 causing Aortopathy phenotype (1.3e-06), strongly suggesting that the variant is benign. To our knowledge, no occurrence of c.2541+17A>G in individuals affected with Aortopathy and no experimental evidence demonstrating its impact on protein function have been reported. Two submitters have provided clinical-significance assessments for this variant to ClinVar after 2014 without evidence for independent evaluation and classified the variant as benign (1x) and likely benign (1x). Based on the evidence outlined above, the variant was classified as benign.

Genome Diagnostics Laboratory, University Medical Center Utrecht
Classification: Benign for Aortic aneurysm, familial thoracic 4. Last evaluated: 2017-11-09. Review status: criteria provided, single submitter. Criteria: ACGS Guidelines, 2013. Collection method: clinical testing. Allele origin: germline. Affected: yes. Study: VKGL Data-share Consensus.

GeneDx
Classification: Benign. Last evaluated: 2013-01-30. Review status: criteria provided, single submitter. Criteria: GeneDx Variant Classification (06012015). Collection method: clinical testing. Allele origin: germline. Affected: yes.
Comment: This variant is considered likely benign or benign based on one or more of the following criteria: it is a conservative change, it occurs at a poorly conserved position in the protein, it is predicted to be benign by multiple in silico algorithms, and/or has population frequency not consistent with disease.

PreventionGenetics, part of Exact Sciences
Classification: Likely benign. Review status: criteria provided, single submitter. Criteria: ACMG Guidelines, 2015. Collection method: clinical testing. Allele origin: germline.

Genome Diagnostics Laboratory, Amsterdam University Medical Center
Classification: Likely benign for Aortic aneurysm, familial thoracic 4. Last evaluated: 2015-03-17. Review status: no assertion criteria provided. Criteria: ACGS Guidelines, 2013. Collection method: clinical testing. Allele origin: germline. Affected: yes. Study: VKGL Data-share Consensus. Not counted in ClinVar's aggregate classification.